The following is an entry in ClinVar:

NM_017763.6(RNF43):c.1472A>T (p.His491Leu)

Gene: RNF43 (ring finger protein 43; minus strand). Cytogenetic location: 17q22.
Variant type: single nucleotide variant.
Coding change: c.1472A>T on transcript NM_017763.6 (MANE Select); coding-DNA position 1472, A replaced by T.
Protein change: p.His491Leu; replaces histidine 491 with leucine.
Molecular consequence: missense variant.
Genome position (GRCh38, 1-based): chr17:58,358,304, T>A on the plus strand (A>T on the coding strand, the complement: RNF43 is on the minus strand). VCF-style: chr17-58358304-T-A. GRCh37 (hg19) VCF-style: chr17-56435665-T-A.
Other names: c.1472A>T, p.His491Leu (NM_001305544.3, NM_001438820.1, NM_001438821.1 and 1 more transcripts); c.1091A>T, p.His364Leu (NM_001305545.2, NM_001437987.1); short protein forms H364L, H491L.
Identifiers: ClinVar variation 4155794 (VCV004155794.1).
Genomic context (GRCh38, chr17:58,358,304, plus strand): 5'-CAGTACACTAGGGGGTCAAAGTCACTGCTTAGGGAGCTGCAGAAAGTAGAACTGCTGCCA[T>A]GGACCCCCTGTAGGCTGATGTCCGTGCAGTTGACCACAGAGTCACTGGAAGAGCCATGAC-3'
Protein context (NP_060233.3, residues 481-501): NCTDISLQGV[His491Leu]GSSSTFCSSL

ClinVar aggregate classification (germline): Uncertain significance (1 of 4 stars; one submission).

gnomAD v4.1: 4 of 1,614,156 alleles (0.00025%); highest among the groups gnomAD compares: Non-Finnish European, 0.00034%; no homozygotes.

Submission:

Ambry Genetics
Classification: Uncertain significance. Last evaluated: 2025-08-25. Review status: criteria provided, single submitter. Criteria: Ambry Variant Classification Scheme 2023. Collection method: clinical testing. Allele origin: germline.
Comment: The p.H491L variant (also known as c.1472A>T), located in coding exon 8 of the RNF43 gene, results from an A to T substitution at nucleotide position 1472. The histidine at codon 491 is replaced by leucine, an amino acid with similar properties. This amino acid position is conserved. In addition, this alteration is predicted to be tolerated by in silico analysis. Based on the available evidence, the clinical significance of this variant remains unclear.